The following is an entry in ClinVar:

NM_000093.5(COL5A1):c.456C>A (p.Tyr152Ter)

Gene: COL5A1 (collagen type V alpha 1 chain; plus strand). Cytogenetic location: 9q34.3.
Variant type: single nucleotide variant.
Coding change: c.456C>A on transcript NM_000093.5 (MANE Select); coding-DNA position 456, C replaced by A.
Protein change: p.Tyr152Ter; replaces tyrosine 152 with a stop codon.
Molecular consequence: nonsense.
Genome position (GRCh38, 1-based): chr9:134,700,087, C>A. VCF-style: chr9-134700087-C-A. GRCh37 (hg19) VCF-style: chr9-137591933-C-A.
Other names: c.456C>A, p.Tyr152Ter (NM_001278074.1); short protein forms Y152*.
Identifiers: ClinVar variation 2133443 (VCV002133443.4), dbSNP rs1833616245, ClinGen allele CA375443111.
Genomic context (GRCh38, chr9:134,700,087, plus strand): 5'-GGGCCGCTCTCCCGTCTTCCTCTACGAGGACCACACGGGGAAGCCTGGCCCGGAAGACTA[C>A]CCCCTCTTCCGGGGCATCAACCTGTCAGATGGCAAGTAAGTGGGCACTTCTGGGCAACTG-3'

ClinVar aggregate classification (germline): Pathogenic (1 of 4 stars; one submission).

Conditions:
Ehlers-Danlos syndrome, classic type, 1 (EDSCL1). Also called: Ehlers-Danlos Syndrome, Classic Type, COL5A1-Related; EHLERS-DANLOS SYNDROME, GRAVIS TYPE; EHLERS-DANLOS SYNDROME, SEVERE CLASSIC TYPE; Ehlers-Danlos syndrome, type 1; EDS I. Identifiers: MedGen C0268335, MONDO:0019567, OMIM 130000.

Submission:

Labcorp Genetics (formerly Invitae), Labcorp
Classification: Pathogenic for Ehlers-Danlos syndrome, classic type, 1. Last evaluated: 2022-05-04. Review status: criteria provided, single submitter. Criteria: Invitae Variant Classification Sherloc (09022015). Collection method: clinical testing. Allele origin: germline.
Comment: This sequence change creates a premature translational stop signal (p.Tyr152*) in the COL5A1 gene. It is expected to result in an absent or disrupted protein product. Loss-of-function variants in COL5A1 are known to be pathogenic (PMID: 23587214). This variant is not present in population databases (gnomAD no frequency). This variant has not been reported in the literature in individuals affected with COL5A1-related conditions. For these reasons, this variant has been classified as Pathogenic.

Literature cited by the submitters: PubMed 23587214.